The following is an entry in ClinVar:

ClinVar aggregate classification (germline): Uncertain significance (1 of 4 stars; one submission).

Conditions:
Primary ciliary dyskinesia 28. Also called: CILIARY DYSKINESIA, PRIMARY, 28, WITH OR WITHOUT SITUS INVERSUS. Identifiers: Orphanet 244, MedGen C3809706, MONDO:0014216, OMIM 615505.

gnomAD v4.1: 10 of 1,601,960 alleles (0.00062%); highest among the groups gnomAD compares: Non-Finnish European, 0.00085%; no homozygotes.

Submission:

Labcorp Genetics (formerly Invitae), Labcorp
Classification: Uncertain significance for Primary ciliary dyskinesia 28. Last evaluated: 2022-02-09. Review status: criteria provided, single submitter. Criteria: Invitae Variant Classification Sherloc (09022015). Collection method: clinical testing. Allele origin: germline.
Comment: This sequence change replaces lysine, which is basic and polar, with glutamic acid, which is acidic and polar, at codon 702 of the SPAG1 protein (p.Lys702Glu). In summary, the available evidence is currently insufficient to determine the role of this variant in disease. Therefore, it has been classified as a Variant of Uncertain Significance. Algorithms developed to predict the effect of missense changes on protein structure and function are either unavailable or do not agree on the potential impact of this missense change (SIFT: "Deleterious"; PolyPhen-2: "Probably Damaging"; Align-GVGD: "Class C0"). This variant has not been reported in the literature in individuals affected with SPAG1-related conditions. This variant is not present in population databases (gnomAD no frequency).

NM_003114.5(SPAG1):c.2104A>G (p.Lys702Glu)

Gene: SPAG1 (sperm associated antigen 1; plus strand). Cytogenetic location: 8q22.2.
Variant type: single nucleotide variant.
Coding change: c.2104A>G on transcript NM_003114.5 (MANE Select); coding-DNA position 2104, A replaced by G.
Protein change: p.Lys702Glu; replaces lysine 702 with glutamic acid.
Molecular consequence: missense variant.
Genome position (GRCh38, 1-based): chr8:100,233,526, A>G. VCF-style: chr8-100233526-A-G. GRCh37 (hg19) VCF-style: chr8-101245754-A-G.
Other names: c.2104A>G, p.Lys702Glu (NM_001374321.1, NM_172218.3); short protein forms K702E.
Identifiers: ClinVar variation 2428148 (VCV002428148.4), dbSNP rs1352532114, ClinGen allele CA371815934.